The following is an entry in ClinVar:

NM_025009.5(CEP135):c.1220G>A (p.Ser407Asn)

Gene: CEP135 (centrosomal protein 135; plus strand). Cytogenetic location: 4q12.
Variant type: single nucleotide variant.
Coding change: c.1220G>A on transcript NM_025009.5 (MANE Select); coding-DNA position 1220, G replaced by A.
Protein change: p.Ser407Asn; replaces serine 407 with asparagine.
Molecular consequence: missense variant.
Genome position (GRCh38, 1-based): chr4:55,971,379, G>A. VCF-style: chr4-55971379-G-A. GRCh37 (hg19) VCF-style: chr4-56837545-G-A.
Other names: short protein forms S407N.
Identifiers: ClinVar variation 128692 (VCV000128692.16), dbSNP rs62641664, ClinGen allele CA152292.

ClinVar aggregate classification (germline): Benign. Review status: criteria provided, multiple submitters, no conflicts (2 of 4 stars). 4 submissions from 4 submitters: Benign (3). 1 of the submissions does not count toward it. Last evaluated 2026-01-28.

Allele frequency attached by ClinVar (database versions not stated): gnomAD exomes 0.00359; ExAC 0.00459; gnomAD 0.01379 and 0.01474; TOPMed 0.01562; ESP Exome Variant Server 0.01600; 1000 Genomes Project 0.01617; 1000 Genomes Project 30x 0.01624.
gnomAD v4.1: 4,130 of 1,598,506 alleles (0.26%); highest among the groups gnomAD compares: African/African-American, 4.9%; 113 homozygotes.

Submissions (4):

Labcorp Genetics (formerly Invitae), Labcorp
Classification: Benign. Last evaluated: 2026-01-28. Review status: criteria provided, single submitter. Criteria: Invitae Variant Classification Sherloc (09022015). Collection method: clinical testing. Allele origin: germline.

GeneDx
Classification: Benign. Last evaluated: 2019-12-19. Review status: criteria provided, single submitter. Criteria: GeneDx Variant Classification Process June 2021. Collection method: clinical testing. Allele origin: germline. Affected: yes.

Breakthrough Genomics
Classification: Benign. Review status: criteria provided, single submitter. Criteria: ACMG Guidelines, 2015. Collection method: not provided. Allele origin: germline. Inheritance: Autosomal recessive inheritance. Affected: yes.

Genetic Services Laboratory, University of Chicago
Classification: Likely benign for AllHighlyPenetrant. Review status: no assertion criteria provided. Collection method: clinical testing. Allele origin: germline. Inheritance: Autosomal recessive inheritance. Not counted in ClinVar's aggregate classification.
Comment: Likely benign based on allele frequency in 1000 Genomes Project or ESP global frequency and its presence in a patient with a rare or unrelated disease phenotype. NOT Sanger confirmed.